The following is an entry in ClinVar:

NM_001378454.1(ALMS1):c.5602C>A (p.Leu1868Ile)

Gene: ALMS1 (ALMS1 centrosome and basal body associated protein; plus strand). Cytogenetic location: 2p13.1.
Variant type: single nucleotide variant.
Coding change: c.5602C>A on transcript NM_001378454.1 (MANE Select); coding-DNA position 5602, C replaced by A.
Protein change: p.Leu1868Ile; replaces leucine 1868 with isoleucine.
Molecular consequence: missense variant.
Genome position (GRCh38, 1-based): chr2:73,452,129, C>A. VCF-style: chr2-73452129-C-A. GRCh37 (hg19) VCF-style: chr2-73679256-C-A.
Other names: NM_015120.4:c.5599C>A; p.Leu1867Ile; c.5605C>A, p.Leu1869Ile (NM_015120.4); short protein forms L1869I, L1868I.
Identifiers: ClinVar variation 506250 (VCV000506250.4), dbSNP rs1553404102, ClinGen allele CA347282706.
Genomic context (GRCh38, chr2:73,452,129, plus strand): 5'-TCTAATTCCTACCCACAGAGAGAGCACTCTGTCATTTCTTATGAGCAGGAGTTGCCAGAT[C>A]TTACTGAAGTAACTTTGAAAGCAATAGGGGTTCCTGGGCCTGCTGACCAGAAGACTGGGA-3'
Protein context (NP_001365383.1, residues 1858-1878): VISYEQELPD[Leu1868Ile]TEVTLKAIGV

ClinVar aggregate classification (germline): Likely benign (1 of 4 stars; one submission).

Submission:

Laboratory for Molecular Medicine, Mass General Brigham Personalized Medicine
Classification: Likely benign. Last evaluated: 2018-01-08. Review status: criteria provided, single submitter. Criteria: LMM Criteria. Collection method: clinical testing. Allele origin: germline. Observed: 1 variant allele.
Comment: p.Leu1869Ile in exon 8 of ALMS1: This variant is not expected to have clinical s ignificance due to a lack of conservation across species, including mammals. Of note, 11 have an Isoleucine (Ile) at this position despite high nearby amino aci d conservation. In addition, computational prediction tools do not suggest an im pact to the protein. ACMG/AMP Criteria applied: BP4_Strong.